The following is an entry in ClinVar:

NM_022336.4(EDAR):c.826A>G (p.Asn276Asp)

Genes: RANBP2 (RAN binding protein 2; plus strand), EDAR (ectodysplasin A receptor; minus strand). Cytogenetic location: 2q13.
Variant type: single nucleotide variant.
Coding change: c.826A>G on transcript NM_022336.4 (MANE Select); coding-DNA position 826, A replaced by G.
Protein change: p.Asn276Asp; replaces asparagine 276 with aspartic acid.
Molecular consequence: missense variant.
Genome position (GRCh38, 1-based): chr2:108,907,997, T>C on the plus strand (A>G on the coding strand, the complement: EDAR is on the minus strand). VCF-style: chr2-108907997-T-C. GRCh37 (hg19) VCF-style: chr2-109524453-T-C.
Other names: short protein forms N276D.
Identifiers: ClinVar variation 1350175 (VCV001350175.8), dbSNP rs2105394216, ClinGen allele CA348051122.

ClinVar aggregate classification (germline): Uncertain significance (1 of 4 stars; one submission).

Conditions:
Autosomal recessive hypohidrotic ectodermal dysplasia syndrome. Also called: Autosomal recessive hypohidrotic ectodermal dysplasia. Identifiers: Orphanet 248, MedGen C0406702, MONDO:0016619.
Ectodermal dysplasia 10A, hypohidrotic/hair/nail type, autosomal dominant (ECTD10A). Also called: Ectodermal Dysplasia 3, Anhidrotic. Identifiers: Orphanet 1810, Orphanet 238468, MedGen C3888065, MONDO:0007509, OMIM 129490.

Allele frequency attached by ClinVar (database versions not stated): gnomAD exomes below 0.00001.
gnomAD v4.1: 2 of 1,610,306 alleles (0.00012%); highest among the groups gnomAD compares: Non-Finnish European, 0.00017%; no homozygotes.

Submission:

Labcorp Genetics (formerly Invitae), Labcorp
Classification: Uncertain significance for Ectodermal dysplasia 10A, hypohidrotic/hair/nail type, autosomal dominant; Autosomal recessive hypohidrotic ectodermal dysplasia syndrome. Last evaluated: 2021-07-18. Review status: criteria provided, single submitter. Criteria: Invitae Variant Classification Sherloc (09022015). Collection method: clinical testing. Allele origin: germline.
Comment: This sequence change replaces asparagine with aspartic acid at codon 276 of the EDAR protein (p.Asn276Asp). The asparagine residue is highly conserved and there is a small physicochemical difference between asparagine and aspartic acid. In summary, the available evidence is currently insufficient to determine the role of this variant in disease. Therefore, it has been classified as a Variant of Uncertain Significance. Advanced modeling of protein sequence and biophysical properties (such as structural, functional, and spatial information, amino acid conservation, physicochemical variation, residue mobility, and thermodynamic stability) performed at Invitae indicates that this missense variant is not expected to disrupt EDAR protein function. This variant has not been reported in the literature in individuals with EDAR-related conditions. This variant is not present in population databases (ExAC no frequency).